The following is an entry in ClinVar:

ClinVar aggregate classification (germline): Uncertain significance (1 of 4 stars; one submission).

Conditions:
Immunodeficiency 132A. Also called: Herpes simplex encephalitis, susceptibility to, 3. Identifiers: Orphanet 1930, MedGen C3553868, MONDO:0013920, OMIM 614849.

gnomAD v4.1: 6 of 1,613,042 alleles (0.00037%); highest among the groups gnomAD compares: Admixed American, 0.01%; no homozygotes.

Submission:

Labcorp Genetics (formerly Invitae), Labcorp
Classification: Uncertain significance for Immunodeficiency 132A. Last evaluated: 2022-09-13. Review status: criteria provided, single submitter. Criteria: Invitae Variant Classification Sherloc (09022015). Collection method: clinical testing. Allele origin: germline.
Comment: This sequence change replaces valine, which is neutral and non-polar, with leucine, which is neutral and non-polar, at codon 200 of the TRAF3 protein (p.Val200Leu). Algorithms developed to predict the effect of missense changes on protein structure and function are either unavailable or do not agree on the potential impact of this missense change (SIFT: "Tolerated"; PolyPhen-2: "Possibly Damaging"; Align-GVGD: "Class C0"). This variant is present in population databases (no rsID available, gnomAD 0.006%). This variant has not been reported in the literature in individuals affected with TRAF3-related conditions. In summary, the available evidence is currently insufficient to determine the role of this variant in disease. Therefore, it has been classified as a Variant of Uncertain Significance.

NM_145725.3(TRAF3):c.598G>T (p.Val200Leu)

Genes: TRAF3 (TNF receptor associated factor 3; plus strand), LOC126862065 (BRD4-independent group 4 enhancer GRCh37_chr14:103352003-103353202; plus strand). Cytogenetic location: 14q32.32.
Variant type: single nucleotide variant.
Coding change: c.598G>T on transcript NM_145725.3 (MANE Select); coding-DNA position 598, G replaced by T.
Protein change: p.Val200Leu; replaces valine 200 with leucine.
Molecular consequence: missense variant. On other transcripts: intron variant (2).
Genome position (GRCh38, 1-based): chr14:102,886,216, G>T. VCF-style: chr14-102886216-G-T. GRCh37 (hg19) VCF-style: chr14-103352553-G-T.
Other names: c.598G>T, p.Val200Leu (NM_001385142.1, NM_003300.4, NM_145726.3); c.571-3344G>T (NM_001385143.1); c.570+9691G>T (NM_001199427.2); short protein forms V200L.
Identifiers: ClinVar variation 1913755 (VCV001913755.5), dbSNP rs540563941, ClinGen allele CA391071539.
Genomic context (GRCh38, chr14:102,886,216, plus strand): 5'-GTTTAAAGTTGATAGTACTTTCTCTCTCTGTAGAAACACGAAGACACCGACTGTCCCTGC[G>T]TGGTGGTGTCCTGCCCTCACAAGTGCAGCGTCCAGACTCTCCTGAGGAGCGAGGTAGGGG-3'
Protein context (NP_663777.1, residues 190-210): QKHEDTDCPC[Val200Leu]VVSCPHKCSV